The following is an entry in ClinVar:

ClinVar aggregate classification (germline): Pathogenic (1 of 4 stars; one submission).

Conditions:
Fanconi anemia (FA). Also called: Fanconi's anemia. Identifiers: Orphanet 84, MedGen C0015625, MeSH D005199, MONDO:0019391.

gnomAD v4.1: 1 of 1,613,972 alleles (0.000062%); highest among the groups gnomAD compares: Non-Finnish European, 0.000085%; no homozygotes.

Submission:

Labcorp Genetics (formerly Invitae), Labcorp
Classification: Pathogenic for Fanconi anemia. Last evaluated: 2024-01-04. Review status: criteria provided, single submitter. Criteria: Invitae Variant Classification Sherloc (09022015). Collection method: clinical testing. Allele origin: germline.
Comment: This sequence change creates a premature translational stop signal (p.Tyr699*) in the FANCI gene. It is expected to result in an absent or disrupted protein product. Loss-of-function variants in FANCI are known to be pathogenic (PMID: 17452773, 17460694). This variant is not present in population databases (gnomAD no frequency). This variant has not been reported in the literature in individuals affected with FANCI-related conditions. For these reasons, this variant has been classified as Pathogenic.

Literature cited by the submitters: PubMed 17452773; PubMed 17460694.

NM_001113378.2(FANCI):c.2097C>A (p.Tyr699Ter)

Gene: FANCI (FA complementation group I; plus strand). Cytogenetic location: 15q26.1.
Variant type: single nucleotide variant.
Coding change: c.2097C>A on transcript NM_001113378.2 (MANE Select); coding-DNA position 2097, C replaced by A.
Protein change: p.Tyr699Ter; replaces tyrosine 699 with a stop codon.
Molecular consequence: nonsense.
Genome position (GRCh38, 1-based): chr15:89,292,792, C>A. VCF-style: chr15-89292792-C-A. GRCh37 (hg19) VCF-style: chr15-89836023-C-A.
Other names: c.1818C>A, p.Tyr606Ter (NM_001376910.1); c.2097C>A, p.Tyr699Ter (NM_001376911.1, NM_018193.3); short protein forms Y699*, Y606*.
Identifiers: ClinVar variation 2707596 (VCV002707596.3), dbSNP rs148415946, ClinGen allele CA393749082.